The following is an entry in ClinVar:

ClinVar aggregate classification (germline): Uncertain significance. Review status: criteria provided, multiple submitters, no conflicts (2 of 4 stars). 2 submissions from 2 submitters: Uncertain significance (2). Last evaluated 2024-02-18.

Submissions (2):

Labcorp Genetics (formerly Invitae), Labcorp
Classification: Uncertain significance. Last evaluated: 2024-02-18. Review status: criteria provided, single submitter. Criteria: Invitae Variant Classification Sherloc (09022015). Collection method: clinical testing. Allele origin: germline.
Comment: This variant, c.353_355del, results in the deletion of 1 amino acid(s) of the SEMA4A protein (p.Lys118del), but otherwise preserves the integrity of the reading frame. This variant is present in population databases (rs747558541, gnomAD 0.003%). This variant has not been reported in the literature in individuals affected with SEMA4A-related conditions. Experimental studies and prediction algorithms are not available or were not evaluated, and the functional significance of this variant is currently unknown. In summary, the available evidence is currently insufficient to determine the role of this variant in disease. Therefore, it has been classified as a Variant of Uncertain Significance.

Blueprint Genetics
Classification: Uncertain significance. Last evaluated: 2020-09-18. Review status: criteria provided, single submitter. Criteria: ACMG Guidelines, 2015. Collection method: clinical testing. Allele origin: germline.

NM_022367.4(SEMA4A):c.347AGA[2] (p.Lys118del)

Gene: SEMA4A (semaphorin 4A; plus strand). Cytogenetic location: 1q22.
Variant type: Microsatellite.
Coding change: c.347AGA[2] on transcript NM_022367.4 (MANE Select); two copies in a row of the 3-base unit AGA starting at c.347; the reference has three copies in a row; one copy, 3 bases deleted.
Protein change: p.Lys118del; deletes lysine 118.
Molecular consequence: inframe deletion. On other transcripts: 5 prime UTR variant (2).
Genome position (GRCh38, 1-based): chr1:156,158,122-156,158,124, AGA deleted; deleting any 3 consecutive bases within chr1:156,158,115-156,158,124 gives the same sequence; the position shown is the placement nearest the transcript's 3' end. VCF-style (leftmost placement, unchanged base first): chr1-156158114-TAAG-T. GRCh37 (hg19) VCF-style: chr1-156127905-TAAG-T.
Other names: c.347AGA[2], p.Lys118del (NM_001193300.2, NM_001193301.2, NM_001370567.1); c.50AGA[2], p.Lys19del (NM_001193302.2, NM_001370568.1); c.-178AGA[2] (NM_001370569.1, NM_001370571.1); short protein forms K118del, K19del.
Identifiers: ClinVar variation 3617341 (VCV003617341.3).